The following is an entry in ClinVar:

NM_000535.7(PMS2):c.1627G>A (p.Asp543Asn)

Gene: PMS2 (PMS1 homolog 2, mismatch repair system component; minus strand). Cytogenetic location: 7p22.1.
Variant type: single nucleotide variant.
Coding change: c.1627G>A on transcript NM_000535.7 (MANE Select); coding-DNA position 1627, G replaced by A.
Protein change: p.Asp543Asn; replaces aspartic acid 543 with asparagine.
Molecular consequence: missense variant. On other transcripts: non-coding transcript variant (1), intron variant (1).
Genome position (GRCh38, 1-based): chr7:5,987,138, C>T on the plus strand (G>A on the coding strand, the complement: PMS2 is on the minus strand). VCF-style: chr7-5987138-C-T. GRCh37 (hg19) VCF-style: chr7-6026769-C-T.
Other names: c.1222G>A, p.Asp408Asn (NM_001322003.2, NM_001322004.2, NM_001322005.2 and 16 more transcripts); c.1471G>A, p.Asp491Asn (NM_001322006.2, NM_001406870.1); c.1309G>A, p.Asp437Asn (NM_001322007.2, NM_001322008.2, NM_001406876.1 and 2 more transcripts); c.1066G>A, p.Asp356Asn (NM_001322010.2, NM_001406906.1, NM_001406907.1); c.694G>A, p.Asp232Asn (NM_001322011.2, NM_001322012.2); c.1054G>A, p.Asp352Asn (NM_001322013.2, NM_001406909.1); c.1627G>A, p.Asp543Asn (NM_001322014.2, NM_001406871.1, NM_001406872.1); c.1318G>A, p.Asp440Asn (NM_001322015.2, NM_001406875.1, NM_001406877.1 and 5 more transcripts); and 13 more; short protein forms D352N, D356N, D372N, D388N, D437N, D543N, D232N, D385N.
Identifiers: ClinVar variation 4711065 (VCV004711065.1).

ClinVar aggregate classification (germline): Uncertain significance (1 of 4 stars; one submission).

Conditions:
Hereditary nonpolyposis colorectal neoplasms. Identifiers: MedGen C0009405, MeSH D003123.

Submission:

Labcorp Genetics (formerly Invitae), Labcorp
Classification: Uncertain significance for Hereditary nonpolyposis colorectal neoplasms. Last evaluated: 2025-12-28. Review status: criteria provided, single submitter. Criteria: Invitae Variant Classification Sherloc (09022015). Collection method: clinical testing. Allele origin: germline.
Comment: This sequence change replaces aspartic acid, which is acidic and polar, with asparagine, which is neutral and polar, at codon 543 of the PMS2 protein (p.Asp543Asn). This variant is not present in population databases (gnomAD no frequency). This variant has not been reported in the literature in individuals affected with PMS2-related conditions. Invitae Evidence Modeling incorporating data from in vitro experimental studies (internal data) indicates that this missense variant is not expected to disrupt PMS2 function with a negative predictive value of 95%. In summary, the available evidence is currently insufficient to determine the role of this variant in disease. Therefore, it has been classified as a Variant of Uncertain Significance.